The following is an entry in ClinVar:

ClinVar aggregate classification (germline): Uncertain significance (1 of 4 stars; one submission).

Conditions:
Gorlin syndrome. Also called: Nevoid Basal Cell Carcinoma Syndrome; Basal cell nevus syndrome. Identifiers: Orphanet 377, MedGen C0004779, MONDO:0007187.

Submission:

Labcorp Genetics (formerly Invitae), Labcorp
Classification: Uncertain significance for Gorlin syndrome. Last evaluated: 2025-08-24. Review status: criteria provided, single submitter. Criteria: Invitae Variant Classification Sherloc (09022015). Collection method: clinical testing. Allele origin: germline.
Comment: This sequence change replaces lysine, which is basic and polar, with glutamic acid, which is acidic and polar, at codon 269 of the PTCH1 protein (p.Lys269Glu). This variant is not present in population databases (gnomAD no frequency). This variant has not been reported in the literature in individuals affected with PTCH1-related conditions. Invitae Evidence Modeling of protein sequence and biophysical properties (such as structural, functional, and spatial information, amino acid conservation, physicochemical variation, residue mobility, and thermodynamic stability) indicates that this missense variant is not expected to disrupt PTCH1 protein function with a negative predictive value of 95%. In summary, the available evidence is currently insufficient to determine the role of this variant in disease. Therefore, it has been classified as a Variant of Uncertain Significance.

NM_000264.5(PTCH1):c.805A>G (p.Lys269Glu)

Gene: PTCH1 (patched 1; minus strand). Cytogenetic location: 9q22.32.
Variant type: single nucleotide variant.
Coding change: c.805A>G on transcript NM_000264.5 (MANE Select); coding-DNA position 805, A replaced by G.
Protein change: p.Lys269Glu; replaces lysine 269 with glutamic acid.
Molecular consequence: missense variant. On other transcripts: non-coding transcript variant (1).
Genome position (GRCh38, 1-based): chr9:95,480,530, T>C on the plus strand (A>G on the coding strand, the complement: PTCH1 is on the minus strand). VCF-style: chr9-95480530-T-C. GRCh37 (hg19) VCF-style: chr9-98242812-T-C.
Other names: c.607A>G, p.Lys203Glu (NM_001083602.3); c.802A>G, p.Lys268Glu (NM_001083603.3); c.352A>G, p.Lys118Glu (NM_001083604.3, NM_001083605.3, NM_001083606.3 and 1 more transcripts); c.805A>G, p.Lys269Glu (NM_001354918.2); short protein forms K118E, K203E, K268E, K269E.
Identifiers: ClinVar variation 4801807 (VCV004801807.1).